The following is an entry in ClinVar:

NM_001267550.2(TTN):c.24950A>T (p.Asn8317Ile)

Gene: TTN (titin; minus strand). Cytogenetic location: 2q31.2.
Variant type: single nucleotide variant.
Coding change: c.24950A>T on transcript NM_001267550.2 (MANE Select); coding-DNA position 24950, A replaced by T.
Protein change: p.Asn8317Ile; replaces asparagine 8317 with isoleucine.
Molecular consequence: missense variant. On other transcripts: intron variant (3).
Genome position (GRCh38, 1-based): chr2:178,718,056, T>A on the plus strand (A>T on the coding strand, the complement: TTN is on the minus strand). VCF-style: chr2-178718056-T-A. GRCh37 (hg19) VCF-style: chr2-179582783-T-A.
Other names: c.23999A>T, p.Asn8000Ile (NM_001256850.1); c.21218A>T, p.Asn7073Ile (NM_133378.4); c.13282+20026A>T (NM_003319.4); c.13858+20026A>T (NM_133437.4); c.13657+20026A>T (NM_133432.3); short protein forms N7073I, N8000I, N8317I.
Identifiers: ClinVar variation 974975 (VCV000974975.1), dbSNP rs1278554973, ClinGen allele CA349491595.
Genomic context (GRCh38, chr2:178,718,056, plus strand): 5'-TTGCATGAATACTCTCCCACATCACTGTGATCCACTTTGTTGATTACTAAGGAAGCAACG[T>A]TATTTTTGAATTGCATTTTATATGCAGGAGCTGATCGTAGCTTTGTGTGTTCTTTATACC-3'
Protein context (NP_001254479.2, residues 8307-8327): APAYKMQFKN[Asn8317Ile]VASLVINKVD

ClinVar aggregate classification (germline): Uncertain significance (1 of 4 stars; one submission).

Allele frequency attached by ClinVar (database versions not stated): gnomAD exomes below 0.00001; TOPMed below 0.00001 and 0.00001.
gnomAD v4.1: 6 of 1,613,758 alleles (0.00037%); highest among the groups gnomAD compares: African/African-American, 0.0013%; no homozygotes.

Submission:

Women's Health and Genetics/Laboratory Corporation of America, LabCorp
Classification: Uncertain significance. Last evaluated: 2020-07-20. Review status: criteria provided, single submitter. Criteria: LabCorp Variant Classification Summary - May 2015. Collection method: clinical testing. Allele origin: germline.
Comment: Variant summary: TTN c.21218A>T (p.Asn7073Ile) results in a non-conservative amino acid change located in the I-band of the encoded protein sequence. Four of four in-silico tools predict a damaging effect of the variant on protein function. The variant allele was found at a frequency of 4e-06 in 248798 control chromosomes. The available data on variant occurrences in the general population are insufficient to allow any conclusion about variant significance. To our knowledge, no occurrence of c.21218A>T in individuals affected with Dilated Cardiomyopathy and no experimental evidence demonstrating its impact on protein function have been reported. No clinical diagnostic laboratories have submitted clinical-significance assessments for this variant to ClinVar after 2014. Based on the evidence outlined above, the variant was classified as uncertain significance.